The following is an entry in ClinVar:

NM_014244.5(ADAMTS2):c.194delinsTCTCTTATACACATCTGT (p.Asp65fs)

Gene: ADAMTS2 (ADAM metallopeptidase with thrombospondin type 1 motif 2; minus strand). Cytogenetic location: 5q35.3.
Variant type: Indel.
Coding change: c.194delinsTCTCTTATACACATCTGT on transcript NM_014244.5 (MANE Select); coding-DNA position 194, A replaced by TCTCTTATACACATCTGT.
Protein change: p.Asp65fs; shifts the reading frame from aspartic acid 65.
Molecular consequence: frameshift variant.
Genome position (GRCh38, 1-based): chr5:179,344,107, T replaced by ACAGATGTGTATAAGAGA on the plus strand (A replaced by TCTCTTATACACATCTGT on the coding strand, the reverse complement: ADAMTS2 is on the minus strand). VCF-style: chr5-179344107-T-ACAGATGTGTATAAGAGA. GRCh37 (hg19) VCF-style: chr5-178771108-T-ACAGATGTGTATAAGAGA.
Other names: c.194delinsTCTCTTATACACATCTGT, p.Asp65fs (NM_021599.4); short protein forms D65fs.
Identifiers: ClinVar variation 5010858 (VCV005010858.1).
Genomic context (GRCh38, chr5:179,344,107, plus strand): 5'-CGTACCCCTGCTCTGGACGTAGCTGCCGACACCACGTGGGACACCAAGCGGCCCTGGGCG[T>ACAGATGTGTATAAGAGA]CAGTGCGCACGGGCACCGCCAGGATGCGCTCCGCTCCGTGCCCCAGGGGCCCGCCTGCAA-3'

ClinVar aggregate classification (germline): Pathogenic (1 of 4 stars; one submission).

Conditions:
Ehlers-Danlos syndrome, dermatosparaxis type. Also called: EDS VIIC; Dermatosparaxis; Ehlers-Danlos syndrome, type VII, autosomal recessive. Identifiers: Orphanet 1901, MedGen C2700425, MONDO:0009161, OMIM 225410.

Submission:

Myriad Genetics, Inc.
Classification: Pathogenic for Ehlers-Danlos syndrome, dermatosparaxis type. Last evaluated: 2024-05-14. Review status: criteria provided, single submitter. Criteria: Myriad Autosomal Dominant, Autosomal Recessive and X-Linked Classification Criteria (2023). Collection method: clinical testing. Allele origin: unknown.
Comment: NM_014244.4(ADAMTS2):c.194del1ins18(D65Vfs*106) is expected to be pathogenic in the context of Ehlers-Danlos syndrome, ADAMTS2-related. This variant is predicted to lead to an abnormal or absent protein product due to the creation of a premature termination codon in ADAMTS2, a gene where loss-of-function variants are known to be pathogenic. Please note: this variant was assessed in the context of healthy population screening.